The following is an entry in ClinVar:

ClinVar aggregate classification (germline): Uncertain significance (1 of 4 stars; one submission).

Allele frequency attached by ClinVar (database versions not stated): gnomAD 0.00001; gnomAD exomes 0.00001; TOPMed 0.00001.
gnomAD v4.1: 9 of 1,611,214 alleles (0.00056%); highest among the groups gnomAD compares: South Asian, 0.0011%; no homozygotes.

Submission:

Labcorp Genetics (formerly Invitae), Labcorp
Classification: Uncertain significance. Last evaluated: 2023-01-31. Review status: criteria provided, single submitter. Criteria: Invitae Variant Classification Sherloc (09022015). Collection method: clinical testing. Allele origin: germline.
Comment: This sequence change replaces arginine, which is basic and polar, with glutamine, which is neutral and polar, at codon 248 of the TOPORS protein (p.Arg248Gln). In summary, the available evidence is currently insufficient to determine the role of this variant in disease. Therefore, it has been classified as a Variant of Uncertain Significance. Algorithms developed to predict the effect of missense changes on protein structure and function are either unavailable or do not agree on the potential impact of this missense change (SIFT: "Tolerated"; PolyPhen-2: "Possibly Damaging"; Align-GVGD: "Class C0"). This variant has not been reported in the literature in individuals affected with TOPORS-related conditions. This variant is present in population databases (no rsID available, gnomAD 0.01%).

NM_005802.5(TOPORS):c.743G>A (p.Arg248Gln)

Gene: TOPORS (TOP1 binding arginine/serine rich protein, E3 ubiquitin ligase; minus strand). Cytogenetic location: 9p21.1.
Variant type: single nucleotide variant.
Coding change: c.743G>A on transcript NM_005802.5 (MANE Select); coding-DNA position 743, G replaced by A.
Protein change: p.Arg248Gln; replaces arginine 248 with glutamine.
Molecular consequence: missense variant.
Genome position (GRCh38, 1-based): chr9:32,543,782, C>T on the plus strand (G>A on the coding strand, the complement: TOPORS is on the minus strand). VCF-style: chr9-32543782-C-T. GRCh37 (hg19) VCF-style: chr9-32543780-C-T.
Other names: c.548G>A, p.Arg183Gln (NM_001195622.2); short protein forms R183Q, R248Q.
Identifiers: ClinVar variation 2414192 (VCV002414192.6), dbSNP rs1014386569, ClinGen allele CA192359406.
Genomic context (GRCh38, chr9:32,543,782, plus strand): 5'-CGAGCACCAGCACGATAAAGAGTTCGTCTAAAATTAATAATATCTTGTTCTTGAATTTTC[C>T]GCAAAGATCTTTCATCTGCCGTAGTTGGCCTCCTTACTGCAATCTGTCTCATAAACTGAG-3'
Protein context (NP_005793.2, residues 238-258): RPTTADERSL[Arg248Gln]KIQEQDIINF